The following is an entry in ClinVar:

NM_007294.4(BRCA1):c.134+3001_134+3002del

Gene: BRCA1 (BRCA1 DNA repair associated; minus strand). Cytogenetic location: 17q21.31.
Variant type: Deletion.
Coding change: c.134+3001_134+3002del on transcript NM_007294.4 (MANE Select); bases 3001 to 3002 of the intron after coding-DNA position 134, 2 bases deleted (TC; older notation c.134+3001_134+3002delTC).
Molecular consequence: intron variant.
Genome position (GRCh38, 1-based): chr17:43,112,724-43,112,725, GA deleted on the plus strand (TC on the coding strand, the reverse complement: BRCA1 is on the minus strand). VCF-style (leftmost placement, unchanged base first): chr17-43112723-TGA-T. GRCh37 (hg19) VCF-style: chr17-41264740-TGA-T.
Other names: c.-8+3001_-8+3002del (NM_001408458.1, NM_001408470.1, NM_001407848.1 and 47 more transcripts); c.-219+12552_-219+12553del (NM_001407967.1); c.-169-7769_-169-7768del (NM_001407959.1, NM_001407963.1); c.-7-6192_-7-6191del (NM_001407931.1, NM_001407747.1, NM_001408461.1 and 30 more transcripts); c.-170+3001_-170+3002del (NM_001407962.1, NM_001408512.1, NM_001408510.1 and 1 more transcripts); c.-55+3001_-55+3002del (NM_001407885.1, NM_001407886.1, NM_001408509.1 and 52 more transcripts); c.-123-2145_-123-2144del (NM_001407746.1, NM_001408468.1, NM_001407842.1 and 13 more transcripts); c.134+3001_134+3002del (NM_001407686.1, NM_001408397.1, NM_001407632.1 and 191 more transcripts); and 9 more.
Identifiers: ClinVar variation 264798 (VCV000264798.2), dbSNP rs55820479, ClinGen allele CA10588246.

ClinVar aggregate classification (germline): Benign (3 of 4 stars; one submission).

Conditions:
Breast-ovarian cancer, familial, susceptibility to, 1 (BROVCA1). Also called: BRCA1 Hereditary Breast and Ovarian Cancer; OVARIAN CANCER, SUSCEPTIBILITY TO. Identifiers: Orphanet 145, MedGen C2676676, MONDO:0011450, OMIM 604370. Disease mechanism: loss of function.

Allele frequency attached by ClinVar (database versions not stated): gnomAD exomes 0.42857; gnomAD 0.44806 and 0.45055; 1000 Genomes Project 0.49481; 1000 Genomes Project 30x 0.50172.

Submission:

Evidence-based Network for the Interpretation of Germline Mutant Alleles (ENIGMA)
Classification: Benign for Breast-ovarian cancer, familial, susceptibility to, 1. Last evaluated: 2016-09-28. Review status: reviewed by expert panel. Criteria: ENIGMA BRCA1/2 Classification Criteria (2015). Collection method: curation. Allele origin: germline.
Comment: Class 1 not pathogenic based on frequency >1% in an outbred sampleset. Frequency 0.3598 (European), 0.7262 (African), 0.3977 (Admixed American/Latino), 0.3661 (East Asian), 0.5225 (South Asian), derived from 1000 genomes (2013-05-02).